The following is an entry in ClinVar:

ClinVar aggregate classification (germline): Uncertain significance (1 of 4 stars; one submission).

Conditions:
Familial cancer of breast. Also called: hereditary breast carcinoma; Hereditary breast cancer; BREAST CANCER, FAMILIAL. Identifiers: Orphanet 227535, MedGen C0346153, MONDO:0016419, OMIM 114480. Disease mechanism: loss of function.

Allele frequency attached by ClinVar (database versions not stated): gnomAD exomes below 0.00001; TOPMed below 0.00001.
gnomAD v4.1: 1 of 1,613,972 alleles (0.000062%); highest among the groups gnomAD compares: Non-Finnish European, 0.000085%; no homozygotes.

Submission:

Labcorp Genetics (formerly Invitae), Labcorp
Classification: Uncertain significance for Familial cancer of breast. Last evaluated: 2023-08-02. Review status: criteria provided, single submitter. Criteria: Invitae Variant Classification Sherloc (09022015). Collection method: clinical testing. Allele origin: germline.
Comment: This variant is not present in population databases (gnomAD no frequency). This variant has not been reported in the literature in individuals affected with BARD1-related conditions. An algorithm developed to predict the effect of missense changes on protein structure and function (PolyPhen-2) suggests that this variant is likely to be disruptive. In summary, the available evidence is currently insufficient to determine the role of this variant in disease. Therefore, it has been classified as a Variant of Uncertain Significance. This sequence change replaces glycine, which is neutral and non-polar, with arginine, which is basic and polar, at codon 576 of the BARD1 protein (p.Gly576Arg).

NM_000465.4(BARD1):c.1726G>A (p.Gly576Arg)

Gene: BARD1 (BRCA1 associated RING domain 1; minus strand). Cytogenetic location: 2q35.
Variant type: single nucleotide variant.
Coding change: c.1726G>A on transcript NM_000465.4 (MANE Select); coding-DNA position 1726, G replaced by A.
Protein change: p.Gly576Arg; replaces glycine 576 with arginine.
Molecular consequence: missense variant. On other transcripts: non-coding transcript variant (3), intron variant (1).
Genome position (GRCh38, 1-based): chr2:214,745,806, C>T on the plus strand (G>A on the coding strand, the complement: BARD1 is on the minus strand). VCF-style: chr2-214745806-C-T. GRCh37 (hg19) VCF-style: chr2-215610530-C-T.
Other names: c.1669G>A, p.Gly557Arg (NM_001282543.2); c.373G>A, p.Gly125Arg (NM_001282545.2); c.316G>A, p.Gly106Arg (NM_001282548.2); c.365-15298G>A (NM_001282549.2); short protein forms G125R, G576R, G106R, G557R.
Identifiers: ClinVar variation 2749229 (VCV002749229.3), dbSNP rs1693083134, ClinGen allele CA350453123.
Genomic context (GRCh38, chr2:214,745,806, plus strand): 5'-TTTTAGCCTTAAGAATTACTGCAAGCTCACTGAGCATTTTCTGTTGTTCTGAAGACAGCC[C>T]ACTGCCTATAAGTACAAGAGGTCCATCCCTACGCTGCCCAGTGTTCATCTGTTAATATAA-3'
Protein context (NP_000456.2, residues 566-586): RDGPLVLIGS[Gly576Arg]LSSEQQKMLS